The following is an entry in ClinVar:

ClinVar aggregate classification (germline): Likely benign. Review status: criteria provided, single submitter (1 of 4 stars). 2 submissions from 2 submitters: Likely benign (1). 1 of the submissions does not count toward it. Last evaluated 2024-04-11.

Conditions:
SMOC2-related disorder. Also called: SMOC2-related condition.

Submissions (2):

Labcorp Genetics (formerly Invitae), Labcorp
Classification: Likely benign. Last evaluated: 2024-04-11. Review status: criteria provided, single submitter. Criteria: Invitae Variant Classification Sherloc (09022015). Collection method: clinical testing. Allele origin: germline.

PreventionGenetics, part of Exact Sciences
Classification: Likely benign for SMOC2-related condition. Last evaluated: 2019-04-25. Review status: no assertion criteria provided. Collection method: clinical testing. Allele origin: germline. Not counted in ClinVar's aggregate classification.
Comment: This variant is classified as likely benign based on ACMG/AMP sequence variant interpretation guidelines (Richards et al. 2015 PMID: 25741868, with internal and published modifications).

NM_001166412.2(SMOC2):c.638-17CTT[2]

Gene: SMOC2 (SPARC related modular calcium binding 2; plus strand). Cytogenetic location: 6q27.
Variant type: Microsatellite.
Coding change: c.638-17CTT[2] on transcript NM_001166412.2 (MANE Select); two copies in a row of the 3-base unit CTT starting at c.638-17.
Molecular consequence: intron variant.
Genome position: GRCh38 VCF-style: chr6-168598800-CCTT-C. GRCh37 (hg19) VCF-style: chr6-168999480-CCTT-C.
Other names: c.671-10_671-8delTTC (NM_022138.2); c.671-17CTT[2] (NM_022138.3).
Identifiers: ClinVar variation 2956363 (VCV002956363.5), dbSNP rs772474206, ClinGen allele CA4102229.